The following is an entry in ClinVar:

ClinVar aggregate classification (germline): Pathogenic/Likely pathogenic. Review status: criteria provided, multiple submitters, no conflicts (2 of 4 stars). 9 submissions from 9 submitters: Pathogenic (3); Likely pathogenic (5). 1 of the submissions does not count toward it. Last evaluated 2025-02-26.

Conditions:
Anemia, nonspherocytic hemolytic, due to G6PD deficiency (CNSHA1). Also called: Class I glucose-6-phosphate dehydrogenase deficiency; Favism, susceptibility to; ANEMIA, CONGENITAL, NONSPHEROCYTIC HEMOLYTIC, 1; Hemolytic anemia due to G6PD deficiency. Identifiers: Orphanet 466026, MedGen C2720289, MONDO:0010480, OMIM 300908.
Malaria, susceptibility to. Identifiers: Orphanet 673, MedGen C1970028, MONDO:0021024, OMIM 611162.

Submissions (9):

GeneDx
Classification: Likely pathogenic. Last evaluated: 2025-02-26. Review status: criteria provided, single submitter. Criteria: GeneDx Variant Classification Process June 2021. Collection method: clinical testing. Allele origin: germline. Affected: yes.
Comment: In-frame deletion of 8 of amino acidsin a non-repeat region predicted to critically alter the protein; Not observed at significant frequency in large population cohorts (gnomAD); This variant is associated with the following publications: (PMID: 9674740, 8241497, 16753852)

Labcorp Genetics (formerly Invitae), Labcorp
Classification: Pathogenic for Anemia, nonspherocytic hemolytic, due to G6PD deficiency. Last evaluated: 2024-12-02. Review status: criteria provided, single submitter. Criteria: Invitae Variant Classification Sherloc (09022015). Collection method: clinical testing. Allele origin: germline.
Comment: This variant, c.957_980del, results in the deletion of 8 amino acid(s) of the G6PD protein (p.Lys320_Thr327del), but otherwise preserves the integrity of the reading frame. This variant is not present in population databases (gnomAD no frequency). This variant has been observed in individual(s) with G6PD deficiency (PMID: 8241497, 16753852; internal data). ClinVar contains an entry for this variant (Variation ID: 10411). This variant disrupts a region of the G6PD protein in which other variant(s) (p.Gly321Glu) have been determined to be pathogenic (PMID: 30988594; internal data). This suggests that this is a clinically significant region of the protein, and that variants that disrupt it are likely to be disease-causing. For these reasons, this variant has been classified as Pathogenic.

Dunham Lab, University of Washington
Classification: Pathogenic for Anemia, nonspherocytic hemolytic, due to G6PD deficiency. Last evaluated: 2022-08-12. Review status: criteria provided, single submitter. Criteria: Bayesian ACMG Guidelines, 2018. Collection method: curation. Allele origin: unknown. Affected: yes.
Comment: Variant found in unrelated hemizygotes with deficiency and CNSHA (PS4_M, PP4). No detectable activity in red blood cells (PS3). Leads to deletion of eight amino acids (PM4). Not found in gnomAD (PM2). Post_P 0.997 (odds of pathogenicity 3158, Prior_P 0.1).

Revvity Omics, Revvity
Classification: Likely pathogenic for Anemia, nonspherocytic hemolytic, due to G6PD deficiency. Last evaluated: 2022-05-31. Review status: criteria provided, single submitter. Criteria: ACMG Guidelines, 2015. Collection method: clinical testing. Allele origin: germline.

Johns Hopkins Genomics, Johns Hopkins University
Classification: Likely pathogenic for Anemia, nonspherocytic hemolytic, due to G6PD deficiency. Last evaluated: 2022-02-21. Review status: criteria provided, single submitter. Criteria: ACMG Guidelines, 2015. Collection method: clinical testing. Allele origin: germline.
Comment: This G6PD variant (rs587776730) is absent from a large population dataset and has been reported to ClinVar. This Class I variant, sometimes referred to as "G6PD Nara", has been identified in three unrelated males with chronic-hemolytic anemia. This 24-bp deletion in exon 9 of the G6PD gene removes eight amino acids, leaving the rest of the protein in-frame. No measurable G6PD activity was detected in the hemolysate of a patient with this variant, and the partially purified protein was reported to be extremely thermolabile with rapid loss of activity. Based on the available evidence, we consider this variant to be likely pathogenic.

Mayo Clinic Laboratories, Mayo Clinic
Classification: Likely pathogenic. Last evaluated: 2020-12-29. Review status: criteria provided, single submitter. Criteria: ACMG Guidelines, 2015. Collection method: clinical testing. Allele origin: germline. Observed: 1 variant allele.
Comment: PM2, PM4, PP4, PS4_supporting

ARUP Laboratories, Molecular Genetics and Genomics, ARUP Laboratories
Classification: Likely pathogenic. Last evaluated: 2019-09-19. Review status: criteria provided, single submitter. Criteria: ARUP Molecular Germline Variant Investigation Process. Collection method: clinical testing. Allele origin: germline.
Comment: The G6PD c.957_980del; p.Lys320_Thr327del variant (rs587776730), also known as G6PD Nara, is reported in the literature in an individual affected with G6PD deficiency (Hirono 1993). This variant deletes eight amino acids, leaving the rest of the protein in-frame. Functional analysis of hemolysate from an affected individual with this variant showed no detectable G6PD activity, and the variant protein was reported to be extremely thermolabile with rapid loss of residual enzyme activity (Hirono 1993). This variant is absent from general population databases (Exome Variant Server, Genome Aggregation Database), indicating it is not a common polymorphism. Based on available information, this variant is considered to be likely pathogenic. References: Hirono A et al. G6PD Nara: a new class 1 glucose-6-phosphate dehydrogenase variant with an eight amino acid deletion. Blood. 1993 Dec 1;82(11):3250-2.

Juno Genomics, Hangzhou Juno Genomics, Inc
Classification: Pathogenic for Anemia, nonspherocytic hemolytic, due to G6PD deficiency; Malaria, susceptibility to. Review status: criteria provided, single submitter. Criteria: ACMG Guidelines, 2015. Collection method: clinical testing. Allele origin: germline. Affected: yes.
Comment: Absent from controls (or at extremely low frequency if recessive) in Genome Aggregation Database, Exome Sequencing Project, 1000 Genomes Project, or Exome Aggregation Consortium.;Protein length changes due to in-frame deletions/insertions in a non-repeat region or stop-loss variants.;The prevalence of the variant in affected individuals is significantly increased compared to the prevalence in controls.;Patient's phenotype or family history is highly specific for a disease with a single genetic etiology.;Well-established in vitro or in vivo functional studies supportive of a damaging effect on the gene or gene product.

OMIM
Classification: Pathogenic for ANEMIA, CONGENITAL, NONSPHEROCYTIC HEMOLYTIC, 1. Last evaluated: 1993-12-01. Review status: no assertion criteria provided. Collection method: literature only. Allele origin: germline. Not counted in ClinVar's aggregate classification.

Literature cited by the submitters: PubMed 8241497 (cited by 5 submitters); PubMed 16753852 (cited by 4 submitters); PubMed 30988594 (cited by Labcorp Genetics (formerly Invitae), Labcorp); PubMed 9674740 (cited by Dunham Lab, University of Washington and Johns Hopkins Genomics, Johns Hopkins University); PubMed 5316621 (cited by Johns Hopkins Genomics, Johns Hopkins University); PubMed 17611006 (cited by Mayo Clinic Laboratories, Mayo Clinic); PubMed 22293322 (cited by Mayo Clinic Laboratories, Mayo Clinic); PubMed 24787449 (cited by Mayo Clinic Laboratories, Mayo Clinic); PubMed 7870632 (cited by Mayo Clinic Laboratories, Mayo Clinic).

G6PD NARA

Gene: G6PD (glucose-6-phosphate dehydrogenase; minus strand). Cytogenetic location: Xq28.
Variant type: Deletion.
Molecular consequence: inframe deletion (on NM_001360016.2).
Genome position: GRCh38 VCF-style: chrX-154533012-CGTGGGGTCGTCCAGGTACCCTTTG-C. GRCh37 (hg19) VCF-style: chrX-153761227-CGTGGGGTCGTCCAGGTACCCTTTG-C.
Other names: G6PD, 24-BP DEL, NT953; G6PD Nara; c.1047_1070del, p.Lys350_Thr357del (NM_000402.4); c.957_980del, p.Lys320_Thr327del (NM_001042351.3, NM_001360016.2); c.957_980del (NM_001042351.1); c.957_980del24 (NM_001042351.2); c.953_976delCCACCAAAGGGTACCTGGACGACC (NM_001042351.1).
Identifiers: ClinVar variation 10411 (VCV000010411.26), dbSNP rs587776730, ClinGen allele CA121042.
Genomic context (GRCh38, chrX:154,533,012, plus strand): 5'-CTCATTCTCCACATAGAGGACGACGGCTGCAAAAGTGGCGGTGGTGGACCCGCGGGGCAC[CGTGGGGTCGTCCAGGTACCCTTTG>C]GTGGCCTCGCCCTCTCCATCGGGGTTCCCCACGTACTGGCCCAGGACCACATTGTTGGCC-3'